The following is an entry in ClinVar:

NM_001374828.1(ARID1B):c.4192delinsCATGAGCCCA (p.Tyr1398delinsHisGluProAsn)

Gene: ARID1B (AT-rich interaction domain 1B; plus strand). Cytogenetic location: 6q25.3.
Variant type: Indel.
Coding change: c.4192delinsCATGAGCCCA on transcript NM_001374828.1 (MANE Select); coding-DNA position 4192, T replaced by CATGAGCCCA.
Protein change: p.Tyr1398delinsHisGluProAsn.
Molecular consequence: inframe indel.
Genome position (GRCh38, 1-based): chr6:157,190,171, T replaced by CATGAGCCCA. VCF-style: chr6-157190171-T-CATGAGCCCA. GRCh37 (hg19) VCF-style: chr6-157511305-T-CATGAGCCCA.
Other names: c.3823delinsCATGAGCCCA (NM_020732.3); c.1693delinsCATGAGCCCA, p.Tyr565delinsHisGluProAsn (NM_001363725.2); c.4072delinsCATGAGCCCA, p.Tyr1358delinsHisGluProAsn (NM_001371656.1, NM_001374820.1); c.4033delinsCATGAGCCCA, p.Tyr1345delinsHisGluProAsn (NM_017519.3); c.3823delTinsCATGAGCCCA (NM_020732.3).
Identifiers: ClinVar variation 504207 (VCV000504207.3), dbSNP rs1554233151, ClinGen allele CA658796861.

ClinVar aggregate classification (germline): Conflicting classifications of pathogenicity. Review status: criteria provided, conflicting classifications (1 of 4 stars). 2 submissions from 2 submitters: Likely pathogenic (1); Uncertain significance (1). Last evaluated 2025-08-05.

Conditions:
ARID1B-Related Disorder. Identifiers: MedGen CN381337.

Submissions (2):

PreventionGenetics, part of Exact Sciences
Classification: Uncertain significance for ARID1B-related condition. Last evaluated: 2025-08-05. Review status: criteria provided, single submitter. Criteria: ACMG Guidelines, 2015. Collection method: clinical testing. Allele origin: germline.
Comment: The ARID1B c.3823delinsCATGAGCCCA variant is predicted to result in an in-frame deletion and insertion. To our knowledge, this variant has not been reported in the literature or in a large population database (gnomAD), indicating this variant is rare. At this time, the clinical significance of this variant is uncertain due to the absence of conclusive functional and genetic evidence.

GeneDx
Classification: Likely pathogenic. Last evaluated: 2018-01-29. Review status: criteria provided, single submitter. Criteria: GeneDx Variant Classification (06012015). Collection method: clinical testing. Allele origin: germline. Affected: yes.
Comment: The c.3823delTins10 variant in the ARID1B gene has not been reported previously as a pathogenic variant nor as a benign variant, to our knowledge. This variant causes an in-frame deletion of the Tyrosine 1275 residue, and insertion of four amino acids, denoted p.Tyr1275delinsHisGluProAsn. This variant is not observed in large population cohorts (Lek et al., 2016). We interpret c.3823delTins10 as a likely pathogenic variant.